The following is an entry in ClinVar:

NM_000135.4(FANCA):c.4186A>G (p.Ile1396Val)

Genes: FANCA (FA complementation group A; minus strand), ZNF276 (zinc finger protein 276; plus strand). Cytogenetic location: 16q24.3.
Variant type: single nucleotide variant.
Coding change: c.4186A>G on transcript NM_000135.4 (MANE Select); coding-DNA position 4186, A replaced by G.
Protein change: p.Ile1396Val; replaces isoleucine 1396 with valine.
Molecular consequence: missense variant. On other transcripts: 3 prime UTR variant (2), non-coding transcript variant (4).
Genome position (GRCh38, 1-based): chr16:89,738,956, T>C on the plus strand (A>G on the coding strand, the complement: FANCA is on the minus strand). VCF-style: chr16-89738956-T-C. GRCh37 (hg19) VCF-style: chr16-89805364-T-C.
Other names: c.4190A>G, p.Asp1397Gly (NM_001286167.3); c.*710T>C (NM_001113525.2, NM_152287.4); short protein forms D1397G, I1396V.
Identifiers: ClinVar variation 1498705 (VCV001498705.6), dbSNP rs1376923890, ClinGen allele CA397483708.
Genomic context (GRCh38, chr16:89,738,956, plus strand): 5'-AGAAGCTCTTTTTCGGGCACCGAGGTATTAACTGCAGCAGAAAAAGACGAGCTTTTGTTA[T>C]CAGTTCCACGGGGTTGCCCTAGAGAGAAAACAGGCAAACTCACAGGTTAGAAGACATACA-3'
Protein context (NP_000126.2, residues 1386-1406): LKGQGNPVEL[Ile1396Val]TKARLFLLQL

ClinVar aggregate classification (germline): Uncertain significance. Review status: criteria provided, multiple submitters, no conflicts (2 of 4 stars). 2 submissions from 2 submitters: Uncertain significance (2). Last evaluated 2024-04-22.

Conditions:
Fanconi anemia complementation group A (FANCA). Also called: FANCA-Related Fanconi Anemia; Fanconi anemia, group A. Identifiers: Orphanet 84, MedGen C3469521, MONDO:0009215, OMIM 227650.
Fanconi anemia (FA). Also called: Fanconi's anemia. Identifiers: Orphanet 84, MedGen C0015625, MeSH D005199, MONDO:0019391.

Allele frequency attached by ClinVar (database versions not stated): gnomAD exomes 0.00001.
gnomAD v4.1: 4 of 1,614,250 alleles (0.00025%); highest among the groups gnomAD compares: South Asian, 0.0011%; no homozygotes.

Submissions (2):

St. Jude Molecular Pathology, St. Jude Children's Research Hospital
Classification: Uncertain significance for Fanconi anemia complementation group A. Last evaluated: 2024-04-22. Review status: criteria provided, single submitter. Criteria: St. Jude Assertion Criteria 2020. Collection method: clinical testing. Allele origin: germline.
Comment: The FANCA c.4186A>G (p.Ile1396Val) missense change has a maximum subpopulation frequency of 0.0054% in gnomAD v2.1.1. The in silico tool REVEL predicts a benign effect on protein function, but to our knowledge this prediction has not been confirmed by functional studies. To our knowledge, this variant has not been reported in individuals with Fanconi anemia. In summary, the evidence currently available is insufficient to determine the role of this variant in Fanconi anemia. It has therefore been classified as of uncertain significance.

Labcorp Genetics (formerly Invitae), Labcorp
Classification: Uncertain significance for Fanconi anemia. Last evaluated: 2021-09-17. Review status: criteria provided, single submitter. Criteria: Invitae Variant Classification Sherloc (09022015). Collection method: clinical testing. Allele origin: germline.
Comment: This sequence change replaces isoleucine with valine at codon 1396 of the FANCA protein (p.Ile1396Val). The isoleucine residue is moderately conserved and there is a small physicochemical difference between isoleucine and valine. This variant is not present in population databases (ExAC no frequency). This variant has not been reported in the literature in individuals affected with FANCA-related conditions. Advanced modeling of protein sequence and biophysical properties (such as structural, functional, and spatial information, amino acid conservation, physicochemical variation, residue mobility, and thermodynamic stability) performed at Invitae indicates that this missense variant is not expected to disrupt FANCA protein function. Algorithms developed to predict the effect of sequence changes on RNA splicing suggest that this variant may create or strengthen a splice site. In summary, the available evidence is currently insufficient to determine the role of this variant in disease. Therefore, it has been classified as a Variant of Uncertain Significance.